The following is an entry in ClinVar:

ClinVar aggregate classification (germline): Uncertain significance. Review status: criteria provided, multiple submitters, no conflicts (2 of 4 stars). 2 submissions from 2 submitters: Uncertain significance (2). Last evaluated 2025-06-25.

Allele frequency attached by ClinVar (database versions not stated): TOPMed 0.00002; gnomAD exomes 0.00001.
gnomAD v4.1: 8 of 1,613,026 alleles (0.0005%); highest among the groups gnomAD compares: Admixed American, 0.01%; no homozygotes.

Submissions (2):

GeneDx
Classification: Uncertain significance. Last evaluated: 2025-06-25. Review status: criteria provided, single submitter. Criteria: GeneDx Variant Classification Process June 2021. Collection method: clinical testing. Allele origin: germline. Affected: yes.
Comment: In silico analysis suggests that this missense variant does not alter protein structure/function; Has not been previously published as pathogenic or benign to our knowledge

Laboratory for Molecular Medicine, Mass General Brigham Personalized Medicine
Classification: Uncertain significance. Last evaluated: 2019-01-04. Review status: criteria provided, single submitter. Criteria: LMM Criteria. Collection method: clinical testing. Allele origin: germline. Observed: 1 variant allele.
Comment: The p.Lys95Asn variant in MYO3A has not been previously reported in individuals with hearing loss but has been identified in 0.006% (2/34544) of Latino chromoso mes by gnomAD. Computational prediction tools and conservation analysis do not provide strong support for or against an impac t to the protein. In summary, the clinical significance of the p.Lys95Asn varian t is uncertain. ACMG/AMP Criteria applied: PM2.

NM_017433.5(MYO3A):c.285G>T (p.Lys95Asn)

Gene: MYO3A (myosin IIIA; plus strand). Cytogenetic location: 10p12.1.
Variant type: single nucleotide variant.
Coding change: c.285G>T on transcript NM_017433.5 (MANE Select); coding-DNA position 285, G replaced by T.
Protein change: p.Lys95Asn; replaces lysine 95 with asparagine.
Molecular consequence: missense variant.
Genome position (GRCh38, 1-based): chr10:25,954,990, G>T. VCF-style: chr10-25954990-G-T. GRCh37 (hg19) VCF-style: chr10-26243919-G-T.
Other names: c.285G>T, p.Lys95Asn (NM_001368265.1); short protein forms K95N.
Identifiers: ClinVar variation 667277 (VCV000667277.5), dbSNP rs1282051090, ClinGen allele CA376331942.
Genomic context (GRCh38, chr10:25,954,990, plus strand): 5'-CCCTAATGTGGTCAGATTCTATGGGATATACTTTAAGAAGGATAAAGTAAATGGAGACAA[G>T]CTGTGGTTGGTTCTTGAGGTAAGTGTGTCAGCATCATTTGTATGGGTGGAAACTTAGAGT-3'
Protein context (NP_059129.3, residues 85-105): YFKKDKVNGD[Lys95Asn]LWLVLELCSG